The following is an entry in ClinVar:

ClinVar aggregate classification (germline): Uncertain significance. Review status: criteria provided, multiple submitters, no conflicts (2 of 4 stars). 2 submissions from 2 submitters: Uncertain significance (2). Last evaluated 2025-06-29.

Conditions:
Epidermolysis bullosa simplex with nail dystrophy (EBS5D). Identifiers: MedGen C4225309, MONDO:0014661, OMIM 616487.
Epidermolysis bullosa simplex, Ogna type (EBS5A). Also called: Pidermolysis bullosa simplex 5A, Ogna type; EPIDERMOLYSIS BULLOSA SIMPLEX 5A, OGNA TYPE. Identifiers: Orphanet 79401, MedGen C0432317, MONDO:0007555, OMIM 131950.
Autosomal recessive limb-girdle muscular dystrophy type 2Q (LGMDR17). Also called: MUSCULAR DYSTROPHY, LIMB-GIRDLE, AUTOSOMAL RECESSIVE 17. Identifiers: Orphanet 254361, MedGen C3150989, MONDO:0013390, OMIM 613723.
Epidermolysis bullosa simplex 5C, with pyloric atresia (EBS5C). Also called: PLEC-Related Epidermolysis Bullosa with Pyloric Atresia; Epidermolysis bullosa simplex with pyloric atresia; PLEC1-Related Epidermolysis Bullosa with Pyloric Atresia. Identifiers: Orphanet 158684, MedGen C2677349, MONDO:0012807, OMIM 612138.
Epidermolysis bullosa simplex 5B, with muscular dystrophy (EBS5B). Also called: EPIDERMOLYSIS BULLOSA SIMPLEX AND LIMB-GIRDLE MUSCULAR DYSTROPHY; Epidermolysis bullosa simplex with muscular dystrophy. Identifiers: Orphanet 257, MedGen C2931072, MONDO:0009181, OMIM 226670.
Inborn genetic diseases. Identifiers: MedGen C0950123, MeSH D030342.

Allele frequency attached by ClinVar (database versions not stated): gnomAD 0.00001; TOPMed 0.00003; gnomAD exomes 0.00004 and 0.00007; ExAC 0.00009.
gnomAD v4.1: 103 of 1,537,590 alleles (0.0067%); highest among the groups gnomAD compares: Middle Eastern, 0.018%; no homozygotes.

Submissions (2):

Labcorp Genetics (formerly Invitae), Labcorp
Classification: Uncertain significance for Autosomal recessive limb-girdle muscular dystrophy type 2Q; Epidermolysis bullosa simplex, Ogna type; Epidermolysis bullosa simplex with nail dystrophy; Epidermolysis bullosa simplex 5C, with pyloric atresia; Epidermolysis bullosa simplex 5B, with muscular dystrophy. Last evaluated: 2025-06-29. Review status: criteria provided, single submitter. Criteria: Invitae Variant Classification Sherloc (09022015). Collection method: clinical testing. Allele origin: germline.
Comment: This sequence change replaces arginine, which is basic and polar, with cysteine, which is neutral and slightly polar, at codon 1834 of the PLEC protein (p.Arg1834Cys). The frequency data for this variant in the population databases is considered unreliable, as metrics indicate poor data quality at this position in the gnomAD database. This variant has not been reported in the literature in individuals affected with PLEC-related conditions. ClinVar contains an entry for this variant (Variation ID: 471605). Experimental studies and prediction algorithms are not available or were not evaluated, and the functional significance of this variant is currently unknown. In summary, the available evidence is currently insufficient to determine the role of this variant in disease. Therefore, it has been classified as a Variant of Uncertain Significance.

Ambry Genetics
Classification: Uncertain significance for Inborn genetic diseases. Last evaluated: 2025-05-16. Review status: criteria provided, single submitter. Criteria: Ambry Variant Classification Scheme 2023. Collection method: clinical testing. Allele origin: germline.

NM_201384.3(PLEC):c.5419C>T (p.Arg1807Cys)

Gene: PLEC (plectin; minus strand). Cytogenetic location: 8q24.3.
Variant type: single nucleotide variant.
Coding change: c.5419C>T on transcript NM_201384.3 (MANE Select); coding-DNA position 5419, C replaced by T.
Protein change: p.Arg1807Cys; replaces arginine 1807 with cysteine.
Molecular consequence: missense variant.
Genome position (GRCh38, 1-based): chr8:143,924,510, G>A on the plus strand (C>T on the coding strand, the complement: PLEC is on the minus strand). VCF-style: chr8-143924510-G-A. GRCh37 (hg19) VCF-style: chr8-144998678-G-A.
Other names: c.5500C>T, p.Arg1834Cys (NM_000445.5); c.5377C>T, p.Arg1793Cys (NM_201378.4); c.5353C>T, p.Arg1785Cys (NM_201379.3); c.5830C>T, p.Arg1944Cys (NM_201380.4); c.5323C>T, p.Arg1775Cys (NM_201381.3); c.5419C>T, p.Arg1807Cys (NM_201382.4); c.5431C>T, p.Arg1811Cys (NM_201383.3); c.5500C>T (NM_000445.3); short protein forms R1807C, R1811C, R1793C, R1834C, R1944C, R1775C, R1785C.
Identifiers: ClinVar variation 471605 (VCV000471605.8), dbSNP rs781812050, ClinGen allele CA4926369.
Genomic context (GRCh38, chr8:143,924,510, plus strand): 5'-GCCGCGCCGCGTCTTCCTCGGCCAGCTGCCGCTGCCGCTTGGCCTCTTCCGCCAGGGCAC[G>A]CAGGCGGGCGGCCTCCTCGGCCAGCTCGCGGAACCGGCCGGCCTCGGCCTCCAGCCTCTG-3'
Protein context (NP_958786.1, residues 1797-1817): RELAEEAARL[Arg1807Cys]ALAEEAKRQR